The following is an entry in ClinVar:

NM_153704.6(TMEM67):c.2322+227A>G

Gene: TMEM67 (transmembrane protein 67; plus strand). Cytogenetic location: 8q22.1.
Variant type: single nucleotide variant.
Coding change: c.2322+227A>G on transcript NM_153704.6 (MANE Select); 227 bases into the intron after coding-DNA position 2322, A replaced by G.
Molecular consequence: intron variant.
Genome position (GRCh38, 1-based): chr8:93,803,911, A>G. VCF-style: chr8-93803911-A-G. GRCh37 (hg19) VCF-style: chr8-94816139-A-G.
Other names: c.2079+227A>G (NM_001142301.1).
Identifiers: ClinVar variation 678962 (VCV000678962.1), dbSNP rs59319341, ClinGen allele CA181343571.

ClinVar aggregate classification (germline): Benign (1 of 4 stars; one submission).

Allele frequency attached by ClinVar (database versions not stated): gnomAD 0.01880 and 0.02014; 1000 Genomes Project 30x 0.02092; 1000 Genomes Project 0.02097; TOPMed 0.02098.
gnomAD v4.1: 2,751 of 147,302 alleles (1.9%); highest among the groups gnomAD compares: African/African-American, 6.3%; 85 homozygotes.

Submission:

GeneDx
Classification: Benign. Last evaluated: 2018-06-16. Review status: criteria provided, single submitter. Criteria: GeneDx Variant Classification (06012015). Collection method: clinical testing. Allele origin: germline. Affected: yes.
Comment: This variant is considered likely benign or benign based on one or more of the following criteria: it is a conservative change, it occurs at a poorly conserved position in the protein, it is predicted to be benign by multiple in silico algorithms, and/or has population frequency not consistent with disease.